The following is an entry in ClinVar:

NM_001369268.1(ACAN):c.493A>T (p.Thr165Ser)

Gene: ACAN (aggrecan; plus strand). Cytogenetic location: 15q26.1.
Variant type: single nucleotide variant.
Coding change: c.493A>T on transcript NM_001369268.1 (MANE Select); coding-DNA position 493, A replaced by T.
Protein change: p.Thr165Ser; replaces threonine 165 with serine.
Molecular consequence: missense variant.
Genome position (GRCh38, 1-based): chr15:88,840,050, A>T. VCF-style: chr15-88840050-A-T. GRCh37 (hg19) VCF-style: chr15-89383281-A-T.
Other names: c.493A>T, p.Thr165Ser (NM_013227.4, NM_001135.4, NM_001411096.1 and 1 more transcripts); c.493A>T (NM_013227.3); short protein forms T165S.
Identifiers: ClinVar variation 2969789 (VCV002969789.4), dbSNP rs1002148043, ClinGen allele CA274504252.

ClinVar aggregate classification (germline): Uncertain significance. Review status: criteria provided, multiple submitters, no conflicts (2 of 4 stars). 2 submissions from 2 submitters: Uncertain significance (2). Last evaluated 2024-02-27.

Conditions:
Inborn genetic diseases. Identifiers: MedGen C0950123, MeSH D030342.

Allele frequency attached by ClinVar (database versions not stated): gnomAD 0.00001; gnomAD exomes 0.00001.
gnomAD v4.1: 4 of 1,602,098 alleles (0.00025%); highest among the groups gnomAD compares: Admixed American, 0.0051%; no homozygotes.

Submissions (2):

Ambry Genetics
Classification: Uncertain significance for Inborn genetic diseases. Last evaluated: 2024-02-27. Review status: criteria provided, single submitter. Criteria: Ambry Variant Classification Scheme 2023. Collection method: clinical testing. Allele origin: germline.
Comment: The c.493A>T (p.T165S) alteration is located in exon 4 (coding exon 3) of the ACAN gene. This alteration results from a A to T substitution at nucleotide position 493, causing the threonine (T) at amino acid position 165 to be replaced by a serine (S). This amino acid position is highly conserved in available vertebrate species. This alteration is predicted to be tolerated by in silico analysis. Based on insufficient or conflicting evidence, the clinical significance of this alteration remains unclear.

Labcorp Genetics (formerly Invitae), Labcorp
Classification: Uncertain significance. Last evaluated: 2023-11-18. Review status: criteria provided, single submitter. Criteria: Invitae Variant Classification Sherloc (09022015). Collection method: clinical testing. Allele origin: germline.
Comment: This sequence change replaces threonine, which is neutral and polar, with serine, which is neutral and polar, at codon 165 of the ACAN protein (p.Thr165Ser). This variant is present in population databases (no rsID available, gnomAD 0.006%). This variant has not been reported in the literature in individuals affected with ACAN-related conditions. Advanced modeling of protein sequence and biophysical properties (such as structural, functional, and spatial information, amino acid conservation, physicochemical variation, residue mobility, and thermodynamic stability) performed at Invitae indicates that this missense variant is not expected to disrupt ACAN protein function with a negative predictive value of 80%. In summary, the available evidence is currently insufficient to determine the role of this variant in disease. Therefore, it has been classified as a Variant of Uncertain Significance.